The following is an entry in ClinVar:

ClinVar aggregate classification (germline): Likely benign. Review status: criteria provided, multiple submitters, no conflicts (2 of 4 stars). 4 submissions from 4 submitters: Likely benign (4). Last evaluated 2026-01-21.

Conditions:
Catecholaminergic polymorphic ventricular tachycardia (CVPT). Also called: Catecholamine-induced polymorphic ventricular tachycardia. Identifiers: Orphanet 3286, MedGen C5574922, MONDO:0017990.
Cardiomyopathy (CMYO). Also called: Cardiomyopathies. Identifiers: Orphanet 167848, MedGen C0878544, MONDO:0004994, HP:0001638. Inheritance: Various modes of inheritance.
Catecholaminergic polymorphic ventricular tachycardia 1. Also called: RYR2-Related Catecholaminergic Polymorphic Ventricular Tachycardia; VENTRICULAR TACHYCARDIA, STRESS-INDUCED POLYMORPHIC 1; VENTRICULAR TACHYCARDIA, CATECHOLAMINERGIC POLYMORPHIC, 1, WITH OR WITHOUT ATRIAL DYSFUNCTION AND/OR DILATED CARDIOMYOPATHY. Identifiers: Orphanet 3286, MedGen C1631597, MONDO:0011484, OMIM 604772.

Allele frequency attached by ClinVar (database versions not stated): gnomAD exomes 0.00001; ExAC 0.00002.
gnomAD v4.1: 7 of 1,613,042 alleles (0.00043%); highest among the groups gnomAD compares: Middle Eastern, 0.017%; no homozygotes.

Submissions (4):

Labcorp Genetics (formerly Invitae), Labcorp
Classification: Likely benign for Catecholaminergic polymorphic ventricular tachycardia 1. Last evaluated: 2026-01-21. Review status: criteria provided, single submitter. Criteria: Invitae Variant Classification Sherloc (09022015). Collection method: clinical testing. Allele origin: germline.

All of Us Research Program, National Institutes of Health
Classification: Likely benign for Catecholaminergic polymorphic ventricular tachycardia. Last evaluated: 2023-12-13. Review status: criteria provided, single submitter. Criteria: ACMG Guidelines, 2015. Collection method: clinical testing. Allele origin: germline. Inheritance: Autosomal dominant inheritance. Observed: 3 variant alleles, 3 heterozygotes.
Comment: This study involves interpretation of variants in research participants for the purpose of population health screening. Participant phenotype was not available at the time of variant classification. Additional details can be found in publication PMID: 35346344, PMCID: PMC8962531

CeGaT Center for Human Genetics Tuebingen
Classification: Likely benign. Last evaluated: 2022-12-01. Review status: criteria provided, single submitter. Criteria: CeGaT Center For Human Genetics Tuebingen Variant Classification Criteria Version 2. Collection method: clinical testing. Allele origin: germline. Affected: yes. Observed: 1 variant allele.
Comment: RYR2: BP4

Color Diagnostics, LLC DBA Color Health
Classification: Likely benign for Cardiomyopathy. Last evaluated: 2019-04-28. Review status: criteria provided, single submitter. Criteria: ACMG Guidelines, 2015. Collection method: clinical testing. Allele origin: germline.

NM_001035.3(RYR2):c.4653T>C (p.Asn1551=)

Gene: RYR2 (ryanodine receptor 2; plus strand). Cytogenetic location: 1q43.
Variant type: single nucleotide variant.
Coding change: c.4653T>C on transcript NM_001035.3 (MANE Select); coding-DNA position 4653, T replaced by C.
Protein change: p.Asn1551=; no amino-acid change (asparagine 1551 retained).
Molecular consequence: synonymous variant.
Genome position (GRCh38, 1-based): chr1:237,602,081, T>C. VCF-style: chr1-237602081-T-C. GRCh37 (hg19) VCF-style: chr1-237765381-T-C.
Identifiers: ClinVar variation 926045 (VCV000926045.30), dbSNP rs759834317, ClinGen allele CA086678.